The following is an entry in ClinVar:

ClinVar aggregate classification (germline): Pathogenic/Likely pathogenic. Review status: criteria provided, multiple submitters, no conflicts (2 of 4 stars). 3 submissions from 3 submitters: Pathogenic (1); Likely pathogenic (2). Last evaluated 2025-09-03.

Conditions:
Fetal akinesia deformation sequence 1 (FADS1). Also called: Fetal akinesia sequence; Pena-Shokeir syndrome type I. Identifiers: Orphanet 994, MedGen C1276035, MONDO:0100101, OMIM 208150, HP:0001989.
Congenital myasthenic syndrome 9. Also called: Myasthenic syndrome, congenital, 9, associated with acetylcholine receptor deficiency. Identifiers: Orphanet 590, MedGen C4225368, MONDO:0014587, OMIM 616325.
MUSK-related disorder. Also called: MUSK-related condition; MUSK-related disorders.

Allele frequency attached by ClinVar (database versions not stated): gnomAD exomes below 0.00001 and 0.00001.
gnomAD v4.1: 6 of 1,612,422 alleles (0.00037%); highest among the groups gnomAD compares: Non-Finnish European, 0.00051%; no homozygotes.

Submissions (3):

PreventionGenetics, part of Exact Sciences
Classification: Likely pathogenic for MUSK-related condition. Last evaluated: 2025-09-03. Review status: criteria provided, single submitter. Criteria: ACMG Guidelines, 2015. Collection method: clinical testing. Allele origin: germline.
Comment: The MUSK c.2446C>T variant is predicted to result in premature protein termination (p.Arg816*). This variant was reported in the compound heterozygous state in two brothers with with vocal chord paralysis (Murali et al. 2019. PubMed ID: 30719842). This variant resides in the final exon of this gene, and it is unclear if the resulting mRNA would undergo nonsense-mediated decay; however, other downstream variants have been reported. This variant is reported in 0.0018% of alleles in individuals of European (non-Finnish) descent in gnomAD. This variant is interpreted as likely pathogenic.

Labcorp Genetics (formerly Invitae), Labcorp
Classification: Pathogenic for Congenital myasthenic syndrome 9; Fetal akinesia deformation sequence 1. Last evaluated: 2025-08-26. Review status: criteria provided, single submitter. Criteria: Invitae Variant Classification Sherloc (09022015). Collection method: clinical testing. Allele origin: germline.
Comment: This sequence change creates a premature translational stop signal (p.Arg816*) in the MUSK gene. While this is not anticipated to result in nonsense mediated decay, it is expected to disrupt the last 54 amino acid(s) of the MUSK protein. This variant is present in population databases (no rsID available, gnomAD 0.002%). This premature translational stop signal has been observed in individual(s) with clinical features of congenital myasthenic syndrome (PMID: 30719842). ClinVar contains an entry for this variant (Variation ID: 523860). This variant disrupts a region of the MUSK protein in which other variant(s) (p.Leu821Phe) have been determined to be pathogenic (internal data). This suggests that this is a clinically significant region of the protein, and that variants that disrupt it are likely to be disease-causing. For these reasons, this variant has been classified as Pathogenic.

GeneDx
Classification: Likely pathogenic. Last evaluated: 2024-05-21. Review status: criteria provided, single submitter. Criteria: GeneDx Variant Classification Process June 2021. Collection method: clinical testing. Allele origin: germline. Affected: yes.
Comment: Nonsense variant predicted to result in protein truncation, as the last 54 amino acids are lost, and other loss-of-function variants have been reported downstream in HGMD; Not observed at significant frequency in large population cohorts (gnomAD); This variant is associated with the following publications: (PMID: 25537362, 37091828, 30719842)

Literature cited by the submitters: PubMed 30719842 (cited by Labcorp Genetics (formerly Invitae), Labcorp).

NM_005592.4(MUSK):c.2446C>T (p.Arg816Ter)

Gene: MUSK (muscle associated receptor tyrosine kinase; plus strand). Cytogenetic location: 9q31.3.
Variant type: single nucleotide variant.
Coding change: c.2446C>T on transcript NM_005592.4 (MANE Select); coding-DNA position 2446, C replaced by T.
Protein change: p.Arg816Ter; replaces arginine 816 with a stop codon.
Molecular consequence: nonsense.
Genome position (GRCh38, 1-based): chr9:110,800,824, C>T. VCF-style: chr9-110800824-C-T. GRCh37 (hg19) VCF-style: chr9-113563104-C-T.
Other names: c.2188C>T, p.Arg730Ter (NM_001166280.2); c.2158C>T, p.Arg720Ter (NM_001166281.2); c.1186C>T, p.Arg396Ter (NM_001369398.1); short protein forms R816*, R730*, R720*, R396*.
Identifiers: ClinVar variation 523860 (VCV000523860.7), dbSNP rs1487680236, ClinGen allele CA374479779.